The following is an entry in ClinVar:

NM_025145.7(CFAP43):c.838A>C (p.Asn280His)

Gene: CFAP43 (cilia and flagella associated protein 43; minus strand). Cytogenetic location: 10q25.1.
Variant type: single nucleotide variant.
Coding change: c.838A>C on transcript NM_025145.7 (MANE Select); coding-DNA position 838, A replaced by C.
Protein change: p.Asn280His; replaces asparagine 280 with histidine.
Molecular consequence: missense variant.
Genome position (GRCh38, 1-based): chr10:104,207,722, T>G on the plus strand (A>C on the coding strand, the complement: CFAP43 is on the minus strand). VCF-style: chr10-104207722-T-G. GRCh37 (hg19) VCF-style: chr10-105967480-T-G.
Other names: c.838A>C (NM_025145.6); short protein forms N280H.
Identifiers: ClinVar variation 2370658 (VCV002370658.3), dbSNP rs141961164, ClinGen allele CA5681102.

ClinVar aggregate classification (germline): Uncertain significance. Review status: criteria provided, single submitter (1 of 4 stars). 2 submissions from 2 submitters: Uncertain significance (1). 1 of the submissions does not count toward it. Last evaluated 2021-08-17.

Conditions:
CFAP43-related disorder. Also called: CFAP43-related condition.

Allele frequency attached by ClinVar (database versions not stated): ExAC 0.00012; ESP Exome Variant Server 0.00046; gnomAD 0.00051.
gnomAD v4.1: 149 of 1,614,046 alleles (0.0092%); highest among the groups gnomAD compares: African/African-American, 0.17%; no homozygotes.

Submissions (2):

Ambry Genetics
Classification: Uncertain significance. Last evaluated: 2021-08-17. Review status: criteria provided, single submitter. Criteria: Ambry Variant Classification Scheme 2023. Collection method: clinical testing. Allele origin: germline.

PreventionGenetics, part of Exact Sciences
Classification: Likely benign for CFAP43-related condition. Last evaluated: 2024-08-07. Review status: no assertion criteria provided. Collection method: clinical testing. Allele origin: germline. Not counted in ClinVar's aggregate classification.
Comment: This variant is classified as likely benign based on ACMG/AMP sequence variant interpretation guidelines (Richards et al. 2015 PMID: 25741868, with internal and published modifications).